The following is an entry in ClinVar:

ClinVar aggregate classification (germline): Uncertain significance (1 of 4 stars; one submission).

Conditions:
Hereditary cancer-predisposing syndrome. Also called: Hereditary neoplastic syndrome; Neoplastic Syndromes, Hereditary; Tumor predisposition; Hereditary Cancer Syndrome. Identifiers: Orphanet 140162, MedGen C0027672, MeSH D009386, MONDO:0015356.

Submission:

Ambry Genetics
Classification: Uncertain significance for Hereditary cancer-predisposing syndrome. Last evaluated: 2025-07-11. Review status: criteria provided, single submitter. Criteria: Ambry Variant Classification Scheme 2023. Collection method: clinical testing. Allele origin: germline.
Comment: The p.A140S variant (also known as c.418G>T), located in coding exon 4 of the POT1 gene, results from a G to T substitution at nucleotide position 418. The alanine at codon 140 is replaced by serine, an amino acid with similar properties. This amino acid position is conserved. In addition, this alteration is predicted to be tolerated by in silico analysis. Based on the available evidence, the clinical significance of this variant remains unclear.

NM_015450.3(POT1):c.418G>T (p.Ala140Ser)

Gene: POT1 (protection of telomeres 1; minus strand). Cytogenetic location: 7q31.33.
Variant type: single nucleotide variant.
Coding change: c.418G>T on transcript NM_015450.3 (MANE Select); coding-DNA position 418, G replaced by T.
Protein change: p.Ala140Ser; replaces alanine 140 with serine.
Molecular consequence: missense variant. On other transcripts: non-coding transcript variant (3).
Genome position (GRCh38, 1-based): chr7:124,863,478, C>A on the plus strand (G>T on the coding strand, the complement: POT1 is on the minus strand). VCF-style: chr7-124863478-C-A. GRCh37 (hg19) VCF-style: chr7-124503532-C-A.
Other names: c.25G>T, p.Ala9Ser (NM_001042594.2); short protein forms A140S, A9S.
Identifiers: ClinVar variation 4141932 (VCV004141932.1).
Genomic context (GRCh38, chr7:124,863,478, plus strand): 5'-GCATTGGCTGAACATCACACAATTTTAGTAATGTCCAAGACGGTGACATATGAGTAGATG[C>A]CCAAACACGTAAGGCTTCTACCATTTTGTGGTCCTCAGTAGTGAAGTTAAAATACTTGCT-3'
Protein context (NP_056265.2, residues 130-150): HKMVEALRVW[Ala140Ser]STHMSPSWTL